The following is an entry in ClinVar:

NM_000535.7(PMS2):c.1600G>A (p.Asp534Asn)

Gene: PMS2 (PMS1 homolog 2, mismatch repair system component; minus strand). Cytogenetic location: 7p22.1.
Variant type: single nucleotide variant.
Coding change: c.1600G>A on transcript NM_000535.7 (MANE Select); coding-DNA position 1600, G replaced by A.
Protein change: p.Asp534Asn; replaces aspartic acid 534 with asparagine.
Molecular consequence: missense variant. On other transcripts: non-coding transcript variant (1), intron variant (1).
Genome position (GRCh38, 1-based): chr7:5,987,165, C>T on the plus strand (G>A on the coding strand, the complement: PMS2 is on the minus strand). VCF-style: chr7-5987165-C-T. GRCh37 (hg19) VCF-style: chr7-6026796-C-T.
Other names: c.1195G>A, p.Asp399Asn (NM_001322003.2, NM_001322004.2, NM_001322005.2 and 16 more transcripts); c.1444G>A, p.Asp482Asn (NM_001322006.2, NM_001406870.1); c.1282G>A, p.Asp428Asn (NM_001322007.2, NM_001322008.2, NM_001406876.1 and 2 more transcripts); c.1039G>A, p.Asp347Asn (NM_001322010.2, NM_001406906.1, NM_001406907.1); c.667G>A, p.Asp223Asn (NM_001322011.2, NM_001322012.2); c.1027G>A, p.Asp343Asn (NM_001322013.2, NM_001406909.1); c.1600G>A, p.Asp534Asn (NM_001322014.2, NM_001406871.1, NM_001406872.1); c.1291G>A, p.Asp431Asn (NM_001322015.2, NM_001406875.1, NM_001406877.1 and 5 more transcripts); and 13 more; short protein forms D223N, D277N, D343N, D347N, D363N, D376N, D379N, D399N.
Identifiers: ClinVar variation 3894307 (VCV003894307.1).

ClinVar aggregate classification (germline): Uncertain significance (1 of 4 stars; one submission).

Conditions:
Hereditary cancer-predisposing syndrome. Also called: Neoplastic Syndromes, Hereditary; Tumor predisposition; Hereditary Cancer Syndrome; Hereditary neoplastic syndrome. Identifiers: Orphanet 140162, MedGen C0027672, MeSH D009386, MONDO:0015356.

Submission:

Color Diagnostics, LLC DBA Color Health
Classification: Uncertain significance for Hereditary cancer-predisposing syndrome. Last evaluated: 2024-03-18. Review status: criteria provided, single submitter. Criteria: ACMG Guidelines, 2015. Collection method: clinical testing. Allele origin: germline.
Comment: This missense variant replaces aspartic acid with asparagine at codon 534 of the PMS2 protein. Computational prediction suggests that this variant may not impact protein structure and function (internally defined REVEL score threshold <= 0.5, PMID: 27666373). To our knowledge, functional studies have not been reported for this variant. This variant has not been reported in individuals affected with PMS2-related disorders in the literature. This variant has not been identified in the general population by the Genome Aggregation Database (gnomAD). The available evidence is insufficient to determine the role of this variant in disease conclusively. Therefore, this variant is classified as a Variant of Uncertain Significance.